The following is an entry in ClinVar:

NM_001367823.1(ARHGEF18):c.1289G>A (p.Ser430Asn)

Gene: ARHGEF18 (Rho/Rac guanine nucleotide exchange factor 18; plus strand). Cytogenetic location: 19p13.2.
Variant type: single nucleotide variant.
Coding change: c.1289G>A on transcript NM_001367823.1 (MANE Select); coding-DNA position 1289, G replaced by A.
Protein change: p.Ser430Asn; replaces serine 430 with asparagine.
Molecular consequence: missense variant.
Genome position (GRCh38, 1-based): chr19:7,441,981, G>A. VCF-style: chr19-7441981-G-A. GRCh37 (hg19) VCF-style: chr19-7506867-G-A.
Other names: c.563G>A, p.Ser188Asn (NM_001130955.2); c.251G>A, p.Ser84Asn (NM_001367824.1, NM_015318.4); short protein forms S430N, S188N, S84N.
Identifiers: ClinVar variation 1491248 (VCV001491248.6), dbSNP rs1166294862, ClinGen allele CA403100162.

ClinVar aggregate classification (germline): Uncertain significance (1 of 4 stars; one submission).

Allele frequency attached by ClinVar (database versions not stated): gnomAD exomes below 0.00001; TOPMed below 0.00001.

Submission:

Labcorp Genetics (formerly Invitae), Labcorp
Classification: Uncertain significance. Last evaluated: 2022-09-06. Review status: criteria provided, single submitter. Criteria: Invitae Variant Classification Sherloc (09022015). Collection method: clinical testing. Allele origin: germline.
Comment: In summary, the available evidence is currently insufficient to determine the role of this variant in disease. Therefore, it has been classified as a Variant of Uncertain Significance. Algorithms developed to predict the effect of missense changes on protein structure and function (SIFT, PolyPhen-2, Align-GVGD) all suggest that this variant is likely to be disruptive. ClinVar contains an entry for this variant (Variation ID: 1491248). This variant has not been reported in the literature in individuals affected with ARHGEF18-related conditions. This variant is not present in population databases (gnomAD no frequency). This sequence change replaces serine, which is neutral and polar, with asparagine, which is neutral and polar, at codon 242 of the ARHGEF18 protein (p.Ser242Asn).